The following is an entry in ClinVar:

ClinVar aggregate classification (germline): Uncertain significance (1 of 4 stars; one submission).

gnomAD v4.1: 1 of 1,613,082 alleles (0.000062%); highest among the groups gnomAD compares: Non-Finnish European, 0.000085%; no homozygotes.

Submission:

Labcorp Genetics (formerly Invitae), Labcorp
Classification: Uncertain significance. Last evaluated: 2023-11-27. Review status: criteria provided, single submitter. Criteria: Invitae Variant Classification Sherloc (09022015). Collection method: clinical testing. Allele origin: germline.
Comment: This sequence change replaces tryptophan, which is neutral and slightly polar, with cysteine, which is neutral and slightly polar, at codon 75 of the KIAA1161 protein (p.Trp75Cys). This variant is not present in population databases (gnomAD no frequency). This variant has not been reported in the literature in individuals affected with KIAA1161-related conditions. Experimental studies and prediction algorithms are not available or were not evaluated, and the functional significance of this variant is currently unknown. In summary, the available evidence is currently insufficient to determine the role of this variant in disease. Therefore, it has been classified as a Variant of Uncertain Significance.

NM_020702.5(MYORG):c.225G>C (p.Trp75Cys)

Gene: MYORG (myogenesis regulating glycosidase; minus strand). Cytogenetic location: 9p13.3.
Variant type: single nucleotide variant.
Coding change: c.225G>C on transcript NM_020702.5 (MANE Select); coding-DNA position 225, G replaced by C.
Protein change: p.Trp75Cys; replaces tryptophan 75 with cysteine.
Molecular consequence: missense variant.
Genome position (GRCh38, 1-based): chr9:34,372,719, C>G on the plus strand (G>C on the coding strand, the complement: MYORG is on the minus strand). VCF-style: chr9-34372719-C-G. GRCh37 (hg19) VCF-style: chr9-34372717-C-G.
Other names: short protein forms W75C.
Identifiers: ClinVar variation 2745735 (VCV002745735.3), dbSNP rs760451348, ClinGen allele CA373247577.